The following is an entry in ClinVar:

ClinVar aggregate classification (germline): Likely pathogenic. Review status: criteria provided, multiple submitters, no conflicts (2 of 4 stars). 3 submissions from 3 submitters: Likely pathogenic (2). 1 of the submissions does not count toward it. Last evaluated 2020-09-10.

Conditions:
Anemia. Also called: Anemia (disease). Identifiers: MedGen C0002871, MONDO:0002280, HP:0001903.
SPTA1-related disorder. Also called: SPTA1-related condition; SPTA1-related disorders.

Allele frequency attached by ClinVar (database versions not stated): gnomAD exomes below 0.00001; ExAC 0.00001.
gnomAD v4.1: 2 of 1,613,734 alleles (0.00012%); highest among the groups gnomAD compares: African/African-American, 0.0013%; no homozygotes.

Submissions (3):

Mayo Clinic Laboratories, Mayo Clinic
Classification: Likely pathogenic. Last evaluated: 2020-09-10. Review status: criteria provided, single submitter. Criteria: ACMG Guidelines, 2015. Collection method: clinical testing. Allele origin: germline. Observed: 1 variant allele.
Comment: PVS1, PM2

Rady Children's Institute for Genomic Medicine, Rady Children's Hospital San Diego
Classification: Likely pathogenic for SPTA1-related disorders. Review status: criteria provided, single submitter. Criteria: ACMG Guidelines, 2015. Collection method: clinical testing. Allele origin: germline. Affected: yes.
Comment: This variant affects the canonical splice donor site of intron 17 of 51 and is therefore predicted to interfere with splicing and result in loss of normal protein function. This variant has not been previously reported or functionally characterized in the literature to our knowledge. It is absent from the ExAC and gnomAD population databases and thus is presumed to be rare. Multiple splice prediction tools suggest this variant is likely to interfere with normal splicing. Based on the available evidence, the c.2464+1G>A variant is classified as Likely Pathogenic.

NIHR Bioresource Rare Diseases, University of Cambridge
Classification: Likely pathogenic for Anemia. Review status: no assertion criteria provided. Collection method: research. Allele origin: unknown. Affected: yes. Observed: 1 variant allele. Not counted in ClinVar's aggregate classification.

Literature cited by the submitters: PubMed 31723846 (cited by Mayo Clinic Laboratories, Mayo Clinic); PubMed 31038472 (cited by Mayo Clinic Laboratories, Mayo Clinic); PubMed 32581362 (cited by NIHR Bioresource Rare Diseases, University of Cambridge).

NM_003126.4(SPTA1):c.2464+1G>A

Gene: SPTA1 (spectrin alpha, erythrocytic 1; minus strand). Cytogenetic location: 1q23.1.
Variant type: single nucleotide variant.
Coding change: c.2464+1G>A on transcript NM_003126.4 (MANE Select); the canonical splice donor site of the intron after coding-DNA position 2464, G replaced by A.
Molecular consequence: splice donor variant.
Genome position (GRCh38, 1-based): chr1:158,662,701, C>T on the plus strand (G>A on the coding strand, the complement: SPTA1 is on the minus strand). VCF-style: chr1-158662701-C-T. GRCh37 (hg19) VCF-style: chr1-158632491-C-T.
Identifiers: ClinVar variation 812890 (VCV000812890.8), dbSNP rs774632615, ClinGen allele CA1183411.